The following is an entry in ClinVar:

ClinVar aggregate classification (germline): Likely pathogenic (1 of 4 stars; one submission).

Submission:

Labcorp Genetics (formerly Invitae), Labcorp
Classification: Likely pathogenic. Last evaluated: 2023-03-27. Review status: criteria provided, single submitter. Criteria: Invitae Variant Classification Sherloc (09022015). Collection method: clinical testing. Allele origin: germline.
Comment: This sequence change affects an acceptor splice site in intron 20 of the TBCD gene. It is expected to disrupt RNA splicing. Variants that disrupt the donor or acceptor splice site typically lead to a loss of protein function (PMID: 16199547), and loss-of-function variants in TBCD are known to be pathogenic (PMID: 27666370, 27666374). This variant is not present in population databases (gnomAD no frequency). This variant has not been reported in the literature in individuals affected with TBCD-related conditions. Algorithms developed to predict the effect of sequence changes on RNA splicing suggest that this variant may disrupt the consensus splice site. In summary, the currently available evidence indicates that the variant is pathogenic, but additional data are needed to prove that conclusively. Therefore, this variant has been classified as Likely Pathogenic.

Literature cited by the submitters: PubMed 16199547; PubMed 27666370; PubMed 27666374.

NM_005993.5(TBCD):c.1923-2A>G

Gene: TBCD (tubulin folding cofactor D). Cytogenetic location: 17q25.3.
Variant type: single nucleotide variant.
Coding change: c.1923-2A>G on transcript NM_005993.5 (MANE Select); the canonical splice acceptor site of the intron before coding-DNA position 1923, A replaced by G.
Molecular consequence: splice acceptor variant.
Genome position (GRCh38, 1-based): chr17:82,907,759, A>G. VCF-style: chr17-82907759-A-G. GRCh37 (hg19) VCF-style: chr17-80865635-A-G.
Other names: c.1842-2A>G (NM_001411102.1); c.1872-2A>G (NM_001411101.1).
Identifiers: ClinVar variation 2850154 (VCV002850154.3), dbSNP rs2546499057, ClinGen allele CA401631350.